The following is an entry in ClinVar:

ClinVar aggregate classification (germline): Uncertain significance. Review status: criteria provided, multiple submitters, no conflicts (2 of 4 stars). 3 submissions from 3 submitters: Uncertain significance (3). Last evaluated 2024-12-16.

Conditions:
Charcot-Marie-Tooth Neuropathy X. Identifiers: MedGen CN118851.
Combined oxidative phosphorylation deficiency. Identifiers: MedGen C4540031, MONDO:0000732.

Submissions (3):

GeneDx
Classification: Uncertain significance. Last evaluated: 2024-12-16. Review status: criteria provided, single submitter. Criteria: GeneDx Variant Classification Process June 2021. Collection method: clinical testing. Allele origin: germline.
Comment: Not observed at significant frequency in large population cohorts (gnomAD); In silico analysis indicates that this missense variant does not alter protein structure/function; Has not been previously published as pathogenic or benign to our knowledge

Labcorp Genetics (formerly Invitae), Labcorp
Classification: Uncertain significance for Charcot-Marie-Tooth Neuropathy X; Combined oxidative phosphorylation deficiency. Last evaluated: 2022-02-09. Review status: criteria provided, single submitter. Criteria: Invitae Variant Classification Sherloc (09022015). Collection method: clinical testing. Allele origin: germline.
Comment: This sequence change replaces isoleucine, which is neutral and non-polar, with valine, which is neutral and non-polar, at codon 495 of the AIFM1 protein (p.Ile495Val). In summary, the available evidence is currently insufficient to determine the role of this variant in disease. Therefore, it has been classified as a Variant of Uncertain Significance. This variant is not present in population databases (gnomAD no frequency). This variant has not been reported in the literature in individuals affected with AIFM1-related conditions. ClinVar contains an entry for this variant (Variation ID: 968520). Advanced modeling of protein sequence and biophysical properties (such as structural, functional, and spatial information, amino acid conservation, physicochemical variation, residue mobility, and thermodynamic stability) performed at Invitae indicates that this missense variant is not expected to disrupt AIFM1 protein function.

Blueprint Genetics
Classification: Uncertain significance. Last evaluated: 2021-11-10. Review status: criteria provided, single submitter. Criteria: ACMG Guidelines, 2015. Collection method: clinical testing. Allele origin: germline.

NM_004208.4(AIFM1):c.1483A>G (p.Ile495Val)

Genes: AIFM1 (apoptosis inducing factor mitochondria associated 1; minus strand), RAB33A (RAB33A, member RAS oncogene family; plus strand). Cytogenetic location: Xq26.1.
Variant type: single nucleotide variant.
Coding change: c.1483A>G on transcript NM_004208.4 (MANE Select); coding-DNA position 1483, A replaced by G.
Protein change: p.Ile495Val; replaces isoleucine 495 with valine.
Molecular consequence: missense variant. On other transcripts: 3 prime UTR variant (1), non-coding transcript variant (1).
Genome position (GRCh38, 1-based): chrX:130,131,765, T>C on the plus strand (A>G on the coding strand, the complement: AIFM1 is on the minus strand). VCF-style: chrX-130131765-T-C. GRCh37 (hg19) VCF-style: chrX-129265740-T-C.
Other names: c.466A>G, p.Ile156Val (NM_001130846.4); c.*711A>G (NM_001130847.4); c.1471A>G, p.Ile491Val (NM_145812.3); short protein forms I491V, I156V, I495V.
Identifiers: ClinVar variation 968520 (VCV000968520.10), dbSNP rs2030090475, ClinGen allele CA414571222.